The following is an entry in ClinVar:

NM_000395.3(CSF2RB):c.2428C>T (p.Pro810Ser)

Gene: CSF2RB (colony stimulating factor 2 receptor subunit beta; plus strand). Cytogenetic location: 22q12.3.
Variant type: single nucleotide variant.
Coding change: c.2428C>T on transcript NM_000395.3 (MANE Select); coding-DNA position 2428, C replaced by T.
Protein change: p.Pro810Ser; replaces proline 810 with serine.
Molecular consequence: missense variant.
Genome position (GRCh38, 1-based): chr22:36,938,236, C>T. VCF-style: chr22-36938236-C-T. GRCh37 (hg19) VCF-style: chr22-37334278-C-T.
Other names: c.2446C>T, p.Pro816Ser (NM_001410827.1); short protein forms P810S, P816S.
Identifiers: ClinVar variation 2746517 (VCV002746517.3), dbSNP rs376355889, ClinGen allele CA411411473.

ClinVar aggregate classification (germline): Uncertain significance (1 of 4 stars; one submission).

Submission:

Labcorp Genetics (formerly Invitae), Labcorp
Classification: Uncertain significance. Last evaluated: 2023-05-29. Review status: criteria provided, single submitter. Criteria: Invitae Variant Classification Sherloc (09022015). Collection method: clinical testing. Allele origin: germline.
Comment: In summary, the available evidence is currently insufficient to determine the role of this variant in disease. Therefore, it has been classified as a Variant of Uncertain Significance. Advanced modeling of protein sequence and biophysical properties (such as structural, functional, and spatial information, amino acid conservation, physicochemical variation, residue mobility, and thermodynamic stability) performed at Invitae indicates that this missense variant is not expected to disrupt CSF2RB protein function. This variant has not been reported in the literature in individuals affected with CSF2RB-related conditions. This variant is not present in population databases (gnomAD no frequency). This sequence change replaces proline, which is neutral and non-polar, with serine, which is neutral and polar, at codon 810 of the CSF2RB protein (p.Pro810Ser).